The following is an entry in ClinVar:

ClinVar aggregate classification (germline): Uncertain significance (1 of 4 stars; one submission).

Submission:

Labcorp Genetics (formerly Invitae), Labcorp
Classification: Uncertain significance. Last evaluated: 2025-04-17. Review status: criteria provided, single submitter. Criteria: Invitae Variant Classification Sherloc (09022015). Collection method: clinical testing. Allele origin: germline.
Comment: This sequence change creates a premature translational stop signal (p.His137Leufs*61) in the TUBB2A gene. While this is not anticipated to result in nonsense mediated decay, it is expected to disrupt the last 309 amino acid(s) of the TUBB2A protein. This variant is not present in population databases (gnomAD no frequency). This variant has not been reported in the literature in individuals affected with TUBB2A-related conditions. Experimental studies and prediction algorithms are not available or were not evaluated, and the functional significance of this variant is currently unknown. In summary, the available evidence is currently insufficient to determine the role of this variant in disease. Therefore, it has been classified as a Variant of Uncertain Significance.

NM_001069.3(TUBB2A):c.410_411del (p.His137fs)

Gene: TUBB2A (tubulin beta 2A class IIa; minus strand). Cytogenetic location: 6p25.2.
Variant type: Deletion.
Coding change: c.410_411del on transcript NM_001069.3 (MANE Select); coding-DNA positions 410 to 411, 2 bases deleted (AC; older notation c.410_411delAC).
Protein change: p.His137fs; shifts the reading frame from histidine 137.
Molecular consequence: frameshift variant.
Genome position (GRCh38, 1-based): chr6:3,154,790-3,154,791, GT deleted on the plus strand (AC on the coding strand, the reverse complement: TUBB2A is on the minus strand); deleting any 2 consecutive bases within chr6:3,154,790-3,154,792 gives the same sequence; the c. name uses the placement nearest the transcript's 3' end. VCF-style (leftmost placement, unchanged base first): chr6-3154789-AGT-A. GRCh37 (hg19) VCF-style: chr6-3155023-AGT-A.
Other names: c.155_156del, p.His52fs (NM_001310315.2); short protein forms H137fs, H52fs.
Identifiers: ClinVar variation 4810464 (VCV004810464.1).
Genomic context (GRCh38, chr6:3,154,789, plus strand): 5'-CTTCCCGGATCTTGCTGATGAGCAGGGTGCCCATCCCGGACCCCGTGCCGCCCCCCAGAG[AGT>A]GGGTCAGCTGGAAGCCCTGGAGACAGTCACAGCTCTCTGACTCCTTCCTCACCACATCCA-3'